The following is an entry in ClinVar:

NM_001903.5(CTNNA1):c.1205T>G (p.Leu402Trp)

Gene: CTNNA1 (catenin alpha 1; plus strand). Cytogenetic location: 5q31.2.
Variant type: single nucleotide variant.
Coding change: c.1205T>G on transcript NM_001903.5 (MANE Select); coding-DNA position 1205, T replaced by G.
Protein change: p.Leu402Trp; replaces leucine 402 with tryptophan.
Molecular consequence: missense variant. On other transcripts: 5 prime UTR variant (5), intron variant (2).
Genome position (GRCh38, 1-based): chr5:138,887,551, T>G. VCF-style: chr5-138887551-T-G. GRCh37 (hg19) VCF-style: chr5-138223240-T-G.
Other names: c.1205T>G, p.Leu402Trp (NM_001290307.3, NM_001323982.2, NM_001323983.1 and 3 more transcripts); c.896T>G, p.Leu299Trp (NM_001290309.3); c.836T>G, p.Leu279Trp (NM_001290310.3); c.95T>G, p.Leu32Trp (NM_001290312.1, NM_001323987.1, NM_001323988.1 and 18 more transcripts); c.-303T>G (NM_001324006.1, NM_001324007.1, NM_001324008.1 and 1 more transcripts); c.-178T>G (NM_001324013.1); c.-58+11954T>G (NM_001324012.1); c.-61+11954T>G (NM_001324010.1); short protein forms L402W, L279W, L299W, L32W.
Identifiers: ClinVar variation 860761 (VCV000860761.12), dbSNP rs1754343104, ClinGen allele CA361133067.
Genomic context (GRCh38, chr5:138,887,551, plus strand): 5'-TCCGCAAAGCTGTCATGGACCACGTTTCAGATTCTTTCCTGGAAACCAATGTTCCACTTT[T>G]GGTATTGATTGAAGCTGCAAAGAATGGAAATGAGAAAGAAGTTAAGGAGTATGCCCAAGT-3'
Protein context (NP_001894.2, residues 392-412): DSFLETNVPL[Leu402Trp]VLIEAAKNGN

ClinVar aggregate classification (germline): Uncertain significance. Review status: criteria provided, multiple submitters, no conflicts (2 of 4 stars). 2 submissions from 2 submitters: Uncertain significance (2). Last evaluated 2024-02-22.

Conditions:
Hereditary cancer-predisposing syndrome. Also called: Tumor predisposition; Hereditary neoplastic syndrome; Neoplastic Syndromes, Hereditary; Hereditary Cancer Syndrome. Identifiers: Orphanet 140162, MedGen C0027672, MeSH D009386, MONDO:0015356.

Submissions (2):

Ambry Genetics
Classification: Uncertain significance for Hereditary cancer-predisposing syndrome. Last evaluated: 2024-02-22. Review status: criteria provided, single submitter. Criteria: Ambry Variant Classification Scheme 2023. Collection method: clinical testing. Allele origin: germline.
Comment: The p.L402W variant (also known as c.1205T>G), located in coding exon 8 of the CTNNA1 gene, results from a T to G substitution at nucleotide position 1205. The leucine at codon 402 is replaced by tryptophan, an amino acid with similar properties. This amino acid position is conserved. In addition, the in silico prediction for this alteration is inconclusive. Since supporting evidence is limited at this time, the clinical significance of this alteration remains unclear.

Labcorp Genetics (formerly Invitae), Labcorp
Classification: Uncertain significance. Last evaluated: 2024-02-11. Review status: criteria provided, single submitter. Criteria: Invitae Variant Classification Sherloc (09022015). Collection method: clinical testing. Allele origin: germline.
Comment: This sequence change replaces leucine, which is neutral and non-polar, with tryptophan, which is neutral and slightly polar, at codon 402 of the CTNNA1 protein (p.Leu402Trp). This variant is not present in population databases (gnomAD no frequency). This variant has not been reported in the literature in individuals affected with CTNNA1-related conditions. ClinVar contains an entry for this variant (Variation ID: 860761). Advanced modeling of protein sequence and biophysical properties (such as structural, functional, and spatial information, amino acid conservation, physicochemical variation, residue mobility, and thermodynamic stability) has been performed at Invitae for this missense variant, however the output from this modeling did not meet the statistical confidence thresholds required to predict the impact of this variant on CTNNA1 protein function. In summary, the available evidence is currently insufficient to determine the role of this variant in disease. Therefore, it has been classified as a Variant of Uncertain Significance.